The following is an entry in ClinVar:

NM_001276345.2(TNNT2):c.234-10T>C

Gene: TNNT2 (troponin T2, cardiac type; minus strand). Cytogenetic location: 1q32.1.
Variant type: single nucleotide variant.
Coding change: c.234-10T>C on transcript NM_001276345.2 (MANE Select); 10 bases into the intron before coding-DNA position 234, T replaced by C.
Molecular consequence: intron variant.
Genome position (GRCh38, 1-based): chr1:201,365,680, A>G on the plus strand (T>C on the coding strand, the complement: TNNT2 is on the minus strand). VCF-style: chr1-201365680-A-G. GRCh37 (hg19) VCF-style: chr1-201334808-A-G.
Other names: c.189-10T>C (NM_001001432.3); c.204-10T>C (NM_001001431.3, NM_001001430.3, NM_001276347.2); c.231-10T>C (NM_001276346.2); c.234-10T>C (NM_000364.4).
Identifiers: ClinVar variation 756732 (VCV000756732.14), dbSNP rs1342160801, ClinGen allele CA422532811.

ClinVar aggregate classification (germline): Likely benign. Review status: criteria provided, multiple submitters, no conflicts (2 of 4 stars). 6 submissions from 4 submitters: Likely benign (6). Last evaluated 2025-12-22.

Conditions:
Cardiomyopathy, familial restrictive, 3. Identifiers: Orphanet 75249, MedGen C2676271, MONDO:0012900, OMIM 612422.
Dilated cardiomyopathy 1D. Identifiers: Orphanet 154, Orphanet 54260, MedGen C1832243, MONDO:0011095, OMIM 601494.
Hypertrophic cardiomyopathy 2. Also called: TNNT2-Related Familial Hypertrophic Cardiomyopathy. Identifiers: MedGen C1861864, MONDO:0007266, OMIM 115195.
Cardiomyopathy (CMYO). Also called: Cardiomyopathies. Identifiers: Orphanet 167848, MedGen C0878544, MONDO:0004994, HP:0001638. Inheritance: Various modes of inheritance.

Allele frequency attached by ClinVar (database versions not stated): gnomAD exomes below 0.00001; TOPMed below 0.00001.
gnomAD v4.1: 5 of 1,613,606 alleles (0.00031%); highest among the groups gnomAD compares: Middle Eastern, 0.017%; no homozygotes.

Submissions (6):

Labcorp Genetics (formerly Invitae), Labcorp
Classification: Likely benign for Cardiomyopathy, familial restrictive, 3; Hypertrophic cardiomyopathy 2; Dilated cardiomyopathy 1D. Last evaluated: 2025-12-22. Review status: criteria provided, single submitter. Criteria: Invitae Variant Classification Sherloc (09022015). Collection method: clinical testing. Allele origin: germline.

All of Us Research Program, National Institutes of Health
Classification: Likely benign for Cardiomyopathy. Last evaluated: 2024-08-30. Review status: criteria provided, single submitter. Criteria: ACMG Guidelines, 2015. Collection method: clinical testing. Allele origin: germline. Inheritance: Autosomal dominant inheritance. Observed: 2 variant alleles, 2 heterozygotes.
Comment: This study involves interpretation of variants in research participants for the purpose of population health screening. Participant phenotype was not available at the time of variant classification. Additional details can be found in publication PMID: 35346344, PMCID: PMC8962531

Genome-Nilou Lab
Classification: Likely benign for Dilated cardiomyopathy 1D. Last evaluated: 2023-04-11. Review status: criteria provided, single submitter. Criteria: ACMG Guidelines, 2015. Collection method: clinical testing. Allele origin: germline. Affected: no.

Genome-Nilou Lab
Classification: Likely benign for Cardiomyopathy, familial restrictive, 3. Last evaluated: 2023-04-11. Review status: criteria provided, single submitter. Criteria: ACMG Guidelines, 2015. Collection method: clinical testing. Allele origin: germline. Affected: no.

Genome-Nilou Lab
Classification: Likely benign for Hypertrophic cardiomyopathy 2. Last evaluated: 2023-04-11. Review status: criteria provided, single submitter. Criteria: ACMG Guidelines, 2015. Collection method: clinical testing. Allele origin: germline. Affected: no.

GeneDx
Classification: Likely benign. Last evaluated: 2019-03-15. Review status: criteria provided, single submitter. Criteria: GeneDx Variant Classification Process June 2021. Collection method: clinical testing. Allele origin: germline. Affected: yes.